The following is an entry in ClinVar:

NM_001365951.3(KIF1B):c.1777+2dup

Gene: KIF1B (kinesin family member 1B; plus strand). Cytogenetic location: 1p36.22.
Variant type: Duplication.
Coding change: c.1777+2dup on transcript NM_001365951.3 (MANE Select); the canonical splice donor site of the intron after coding-DNA position 1777, one base duplicated (T; older notation c.1777+2dupT).
Molecular consequence: splice donor variant.
Genome position (GRCh38, 1-based): chr1:10,295,768, T duplicated. VCF-style (leftmost placement, unchanged base first): chr1-10295767-G-GT. GRCh37 (hg19) VCF-style: chr1-10355825-G-GT.
Other names: c.1639+2dup (NM_183416.4, NM_015074.3, NM_001365953.1); c.1777+2dup (NM_001365952.1); c.1639+2dupT (NM_015074.3).
Identifiers: ClinVar variation 3288372 (VCV003288372.1).

ClinVar aggregate classification (germline): Uncertain significance (1 of 4 stars; one submission).

Submission:

Ambry Genetics
Classification: Uncertain significance. Last evaluated: 2024-06-06. Review status: criteria provided, single submitter. Criteria: Ambry Variant Classification Scheme 2023. Collection method: clinical testing. Allele origin: germline.
Comment: The c.1639+2dupT intronic variant, results from a duplication of two nucleotides at nucleotide position 1639 after intron 16 of the KIF1B gene. This nucleotide position is well conserved in available vertebrate species. In silico splice site analysis predicts that this alteration may weaken the native splice donor site. The evidence for this gene-disease relationship is limited; therefore, the clinical significance of this alteration is unclear.